The following is an entry in ClinVar:

NM_205768.3(ZBTB18):c.1426G>C (p.Ala476Pro)

Gene: ZBTB18 (zinc finger and BTB domain containing 18; plus strand). Cytogenetic location: 1q44.
Variant type: single nucleotide variant.
Coding change: c.1426G>C on transcript NM_205768.3 (MANE Select); coding-DNA position 1426, G replaced by C.
Protein change: p.Ala476Pro; replaces alanine 476 with proline.
Molecular consequence: missense variant. On other transcripts: 3 prime UTR variant (1).
Genome position (GRCh38, 1-based): chr1:244,055,200, G>C. VCF-style: chr1-244055200-G-C. GRCh37 (hg19) VCF-style: chr1-244218502-G-C.
Other names: c.1399G>C, p.Ala467Pro (NM_001278196.2, NM_006352.5); c.*603G>C (NM_001421566.1); short protein forms A467P, A476P.
Identifiers: ClinVar variation 3365161 (VCV003365161.1).

ClinVar aggregate classification (germline): Uncertain significance (1 of 4 stars; one submission).

Submission:

GeneDx
Classification: Uncertain significance. Last evaluated: 2023-12-15. Review status: criteria provided, single submitter. Criteria: GeneDx Variant Classification Process June 2021. Collection method: clinical testing. Allele origin: germline. Affected: yes.
Comment: Not observed at significant frequency in large population cohorts (gnomAD); In silico analysis supports that this missense variant has a deleterious effect on protein structure/function; Has not been previously published as pathogenic or benign to our knowledge